The following is an entry in ClinVar:

NM_001100913.3(PACS2):c.587-5C>A

Gene: PACS2 (phosphofurin acidic cluster sorting protein 2; plus strand). Cytogenetic location: 14q32.33.
Variant type: single nucleotide variant.
Coding change: c.587-5C>A on transcript NM_001100913.3 (MANE Select); 5 bases into the intron before coding-DNA position 587, C replaced by A.
Molecular consequence: intron variant.
Genome position (GRCh38, 1-based): chr14:105,368,069, C>A. VCF-style: chr14-105368069-C-A. GRCh37 (hg19) VCF-style: chr14-105834406-C-A.
Other names: c.386-5C>A (NM_001243127.3); c.587-5C>A (NM_015197.4).
Identifiers: ClinVar variation 3686666 (VCV003686666.2).
Genomic context (GRCh38, chr14:105,368,069, plus strand): 5'-GGTCACTGCCTGGTTTCCCGGGTGGAATCTCACGGCACCCTCCCTTCTGTCTGTTCATTC[C>A]GCAGATAACTACTCCGAGGAGGAGTATGAGAGCTTCTCCTCCGAGCAGGAGGCCAGTGAC-3'

ClinVar aggregate classification (germline): Uncertain significance (1 of 4 stars; one submission).

gnomAD v4.1: 1 of 1,600,334 alleles (0.000062%); highest among the groups gnomAD compares: Non-Finnish European, 0.000086%; no homozygotes.

Submission:

Labcorp Genetics (formerly Invitae), Labcorp
Classification: Uncertain significance. Last evaluated: 2024-09-17. Review status: criteria provided, single submitter. Criteria: Invitae Variant Classification Sherloc (09022015). Collection method: clinical testing. Allele origin: germline.
Comment: This sequence change falls in intron 5 of the PACS2 gene. It does not directly change the encoded amino acid sequence of the PACS2 protein. This variant is not present in population databases (gnomAD no frequency). This variant has not been reported in the literature in individuals affected with PACS2-related conditions. Algorithms developed to predict the effect of sequence changes on RNA splicing suggest that this variant may disrupt the consensus splice site. In summary, the available evidence is currently insufficient to determine the role of this variant in disease. Therefore, it has been classified as a Variant of Uncertain Significance.